The following is an entry in ClinVar:

NM_174934.4(SCN4B):c.618G>A (p.Ser206=)

Gene: SCN4B (sodium voltage-gated channel beta subunit 4; minus strand). Cytogenetic location: 11q23.3.
Variant type: single nucleotide variant.
Coding change: c.618G>A on transcript NM_174934.4 (MANE Select); coding-DNA position 618, G replaced by A.
Protein change: p.Ser206=; no amino-acid change (serine 206 retained).
Molecular consequence: synonymous variant. On other transcripts: non-coding transcript variant (1).
Genome position (GRCh38, 1-based): chr11:118,137,096, C>T on the plus strand (G>A on the coding strand, the complement: SCN4B is on the minus strand). VCF-style: chr11-118137096-C-T. GRCh37 (hg19) VCF-style: chr11-118007811-C-T.
Other names: c.216G>A, p.Ser72= (NM_001142348.2); c.288G>A, p.Ser96= (NM_001142349.2).
Identifiers: ClinVar variation 1292196 (VCV001292196.7), dbSNP rs773921790, ClinGen allele CA6300132.

ClinVar aggregate classification (germline): Benign/Likely benign. Review status: criteria provided, multiple submitters, no conflicts (2 of 4 stars). 4 submissions from 4 submitters: Benign (1); Likely benign (3). Last evaluated 2026-09-15.

Conditions:
Long QT syndrome 10 (LQT10). Identifiers: Orphanet 101016, Orphanet 768, MedGen C2678484, MONDO:0012737, OMIM 611819.
SCN4B-related disorder. Also called: SCN4B-related condition.
Cardiovascular phenotype. Identifiers: MedGen CN230736.

Allele frequency attached by ClinVar (database versions not stated): TOPMed 0.00001; gnomAD 0.00002.
gnomAD v4.1: 17 of 1,613,830 alleles (0.0011%); highest among the groups gnomAD compares: African/African-American, 0.0053%; no homozygotes.

Submissions (4):

PreventionGenetics, part of Exact Sciences
Classification: Likely benign for SCN4B-related condition. Last evaluated: 2026-09-15. Review status: criteria provided, single submitter. Criteria: ACMG Guidelines, 2015. Collection method: clinical testing. Allele origin: germline.
Comment: This variant is classified as likely benign based on ACMG/AMP sequence variant interpretation guidelines (Richards et al. 2015 PMID: 25741868, with internal and published modifications).

Labcorp Genetics (formerly Invitae), Labcorp
Classification: Likely benign for Long QT syndrome 10. Last evaluated: 2025-01-02. Review status: criteria provided, single submitter. Criteria: Invitae Variant Classification Sherloc (09022015). Collection method: clinical testing. Allele origin: germline.

Ambry Genetics
Classification: Likely benign for Cardiovascular phenotype. Last evaluated: 2021-06-22. Review status: criteria provided, single submitter. Criteria: Ambry Variant Classification Scheme 2023. Collection method: clinical testing. Allele origin: germline.

GeneDx
Classification: Benign. Last evaluated: 2015-03-03. Review status: criteria provided, single submitter. Criteria: GeneDx Variant Classification Process June 2021. Collection method: clinical testing. Allele origin: germline. Affected: yes.